The following is an entry in ClinVar:

NM_001605.3(AARS1):c.1905A>G (p.Arg635=)

Gene: AARS1 (alanyl-tRNA synthetase 1; minus strand). Cytogenetic location: 16q22.1.
Variant type: single nucleotide variant.
Coding change: c.1905A>G on transcript NM_001605.3 (MANE Select); coding-DNA position 1905, A replaced by G.
Protein change: p.Arg635=; no amino-acid change (arginine 635 retained).
Molecular consequence: synonymous variant.
Genome position (GRCh38, 1-based): chr16:70,259,067, T>C on the plus strand (A>G on the coding strand, the complement: AARS1 is on the minus strand). VCF-style: chr16-70259067-T-C. GRCh37 (hg19) VCF-style: chr16-70292970-T-C.
Identifiers: ClinVar variation 1682187 (VCV001682187.6), dbSNP rs2152154405, ClinGen allele CA496401214.

ClinVar aggregate classification (germline): Uncertain significance (1 of 4 stars; one submission).

Conditions:
Charcot-Marie-Tooth disease type 2. Also called: Charcot-Marie-Tooth type 2. Identifiers: Orphanet 64746, MedGen C0270914, MONDO:0018993.

Submission:

Labcorp Genetics (formerly Invitae), Labcorp
Classification: Uncertain significance for Charcot-Marie-Tooth disease type 2. Last evaluated: 2022-03-02. Review status: criteria provided, single submitter. Criteria: Invitae Variant Classification Sherloc (09022015). Collection method: clinical testing. Allele origin: germline.
Comment: In summary, the available evidence is currently insufficient to determine the role of this variant in disease. Therefore, it has been classified as a Variant of Uncertain Significance. Algorithms developed to predict the effect of sequence changes on RNA splicing suggest that this variant may create or strengthen a splice site. This variant has not been reported in the literature in individuals affected with AARS-related conditions. This variant is not present in population databases (gnomAD no frequency). This sequence change affects codon 635 of the AARS mRNA. It is a 'silent' change, meaning that it does not change the encoded amino acid sequence of the AARS protein.